The following is an entry in ClinVar:

ClinVar aggregate classification (germline): Conflicting classifications of pathogenicity. Review status: criteria provided, conflicting classifications (1 of 4 stars). 2 submissions from 2 submitters: Likely pathogenic (1); Uncertain significance (1). Last evaluated 2026-05-07.

Conditions:
Cardiovascular phenotype. Identifiers: MedGen CN230736.
Hereditary cancer-predisposing syndrome. Also called: Hereditary neoplastic syndrome; Tumor predisposition; Hereditary Cancer Syndrome; Neoplastic Syndromes, Hereditary. Identifiers: Orphanet 140162, MedGen C0027672, MeSH D009386, MONDO:0015356.

Submissions (2):

Ambry Genetics
Classification: Likely pathogenic for Cardiovascular phenotype; Hereditary cancer-predisposing syndrome. Last evaluated: 2026-05-07. Review status: criteria provided, single submitter. Criteria: Ambry Variant Classification Scheme 2023. Collection method: clinical testing. Allele origin: germline.
Comment: The c.1943-3C>A intronic variant results from a C to A substitution 3 nucleotides upstream from coding exon 17 in the LZTR1 gene. This nucleotide position is not well conserved in available vertebrate species. In silico splice site analysis predicts that this alteration may result in the creation or strengthening of a novel splice acceptor site. RNA studies have demonstrated that this variant results in abnormal splicing in the set of samples tested (Ambry internal data). Loss-of-function variants in LZTR1 are related to an increased risk for schwannomas and autosomal recessive Noonan syndrome; however, such associations with autosomal dominant Noonan syndrome have not been observed (Piotrowski A et al. Nat Genet. 2014 Feb;46:182-7; Yamamoto GL et al. J Med Genet. 2015 Jun;52:413-21; Johnston JJ et al. Genet Med. 2018 10;20:1175-1185). Based on the supporting evidence, this variant is likely pathogenic for an increased risk of LZTR1-related schwannomatosis (SWN) and would be expected to cause autosomal recessive Noonan syndrome when present along with a second pathogenic or likely pathogenic variant on the other allele; however, the association of this variant with autosomal dominant Noonan syndrome is unlikely.

Labcorp Genetics (formerly Invitae), Labcorp
Classification: Uncertain significance. Last evaluated: 2025-01-12. Review status: criteria provided, single submitter. Criteria: Invitae Variant Classification Sherloc (09022015). Collection method: clinical testing. Allele origin: germline.
Comment: This sequence change falls in intron 16 of the LZTR1 gene. It does not directly change the encoded amino acid sequence of the LZTR1 protein. It affects a nucleotide within the consensus splice site. This variant is not present in population databases (gnomAD no frequency). This variant has not been reported in the literature in individuals affected with LZTR1-related conditions. Variants that disrupt the consensus splice site are a relatively common cause of aberrant splicing (PMID: 17576681, 9536098). Algorithms developed to predict the effect of sequence changes on RNA splicing suggest that this variant may disrupt the consensus splice site. In summary, the available evidence is currently insufficient to determine the role of this variant in disease. Therefore, it has been classified as a Variant of Uncertain Significance.

Literature cited by the submitters: PubMed 17576681 (cited by Labcorp Genetics (formerly Invitae), Labcorp); PubMed 9536098 (cited by Labcorp Genetics (formerly Invitae), Labcorp).

NM_006767.4(LZTR1):c.1943-3C>A

Gene: LZTR1 (leucine zipper like post translational regulator 1; plus strand). Cytogenetic location: 22q11.21.
Variant type: single nucleotide variant.
Coding change: c.1943-3C>A on transcript NM_006767.4 (MANE Select); 3 bases into the intron before coding-DNA position 1943, C replaced by A.
Molecular consequence: intron variant.
Genome position (GRCh38, 1-based): chr22:20,995,743, C>A. VCF-style: chr22-20995743-C-A. GRCh37 (hg19) VCF-style: chr22-21350032-C-A.
Other names: c.1943-3C>A (NM_006767.3).
Identifiers: ClinVar variation 3612743 (VCV003612743.3).